The following is an entry in ClinVar:

ClinVar aggregate classification (germline): Pathogenic/Likely pathogenic. Review status: criteria provided, multiple submitters, no conflicts (2 of 4 stars). 4 submissions from 4 submitters: Pathogenic (2); Likely pathogenic (2). Last evaluated 2025-08-06.

Conditions:
LCT-related disorder. Also called: LCT-related condition.
Congenital lactase deficiency. Also called: ALACTASIA, CONGENITAL; DISACCHARIDE INTOLERANCE II. Identifiers: Orphanet 53690, MedGen C0268179, MONDO:0009115, OMIM 223000.

Allele frequency attached by ClinVar (database versions not stated): gnomAD exomes below 0.00001 and 0.00001; ExAC 0.00001; TOPMed 0.00001; gnomAD 0.00002.
gnomAD v4.1: 8 of 1,613,766 alleles (0.0005%); highest among the groups gnomAD compares: East Asian, 0.0022%; no homozygotes.

Submissions (4):

Labcorp Genetics (formerly Invitae), Labcorp
Classification: Pathogenic. Last evaluated: 2025-08-06. Review status: criteria provided, single submitter. Criteria: Invitae Variant Classification Sherloc (09022015). Collection method: clinical testing. Allele origin: germline.
Comment: This sequence change creates a premature translational stop signal (p.Gln1179*) in the LCT gene. It is expected to result in an absent or disrupted protein product. Loss-of-function variants in LCT are known to be pathogenic (PMID: 16400612, 25881162). This variant is present in population databases (rs749118441, gnomAD 0.005%). This variant has not been reported in the literature in individuals affected with LCT-related conditions. ClinVar contains an entry for this variant (Variation ID: 1379572). For these reasons, this variant has been classified as Pathogenic.

Blueprint Genetics
Classification: Likely pathogenic for LCT-related disorders. Last evaluated: 2024-11-17. Review status: criteria provided, single submitter. Criteria: ACMG Guidelines, 2015. Collection method: clinical testing. Allele origin: germline. Affected: yes. Observed: 5 variant alleles.

Revvity Omics, Revvity
Classification: Likely pathogenic for Congenital lactase deficiency. Last evaluated: 2023-11-16. Review status: criteria provided, single submitter. Criteria: ACMG Guidelines, 2015. Collection method: clinical testing. Allele origin: germline.

Fulgent Genetics
Classification: Pathogenic for Congenital lactase deficiency. Last evaluated: 2021-12-20. Review status: criteria provided, single submitter. Criteria: ACMG Guidelines, 2015. Collection method: clinical testing. Allele origin: unknown.

Literature cited by the submitters: PubMed 16400612 (cited by Labcorp Genetics (formerly Invitae), Labcorp); PubMed 25881162 (cited by Labcorp Genetics (formerly Invitae), Labcorp).

NM_002299.4(LCT):c.3535C>T (p.Gln1179Ter)

Gene: LCT (lactase; minus strand). Cytogenetic location: 2q21.3.
Variant type: single nucleotide variant.
Coding change: c.3535C>T on transcript NM_002299.4 (MANE Select); coding-DNA position 3535, C replaced by T.
Protein change: p.Gln1179Ter; replaces glutamine 1179 with a stop codon.
Molecular consequence: nonsense.
Genome position (GRCh38, 1-based): chr2:135,808,812, G>A on the plus strand (C>T on the coding strand, the complement: LCT is on the minus strand). VCF-style: chr2-135808812-G-A. GRCh37 (hg19) VCF-style: chr2-136566382-G-A.
Other names: short protein forms Q1179*.
Identifiers: ClinVar variation 1379572 (VCV001379572.9), dbSNP rs749118441, ClinGen allele CA1888047.